The following is an entry in ClinVar:

ClinVar aggregate classification (germline): Uncertain significance. Review status: criteria provided, multiple submitters, no conflicts (2 of 4 stars). 2 submissions from 2 submitters: Uncertain significance (2). Last evaluated 2025-09-22.

Conditions:
Inborn genetic diseases. Identifiers: MedGen C0950123, MeSH D030342.

Allele frequency attached by ClinVar (database versions not stated): TOPMed 0.00001; gnomAD exomes 0.00002; gnomAD 0.00001.
gnomAD v4.1: 26 of 1,614,124 alleles (0.0016%); highest among the groups gnomAD compares: Non-Finnish European, 0.0018%; no homozygotes.

Submissions (2):

Ambry Genetics
Classification: Uncertain significance for Inborn genetic diseases. Last evaluated: 2025-09-22. Review status: criteria provided, single submitter. Criteria: Ambry Variant Classification Scheme 2023. Collection method: clinical testing. Allele origin: germline.

Labcorp Genetics (formerly Invitae), Labcorp
Classification: Uncertain significance. Last evaluated: 2022-05-15. Review status: criteria provided, single submitter. Criteria: Invitae Variant Classification Sherloc (09022015). Collection method: clinical testing. Allele origin: germline.
Comment: This sequence change replaces isoleucine, which is neutral and non-polar, with threonine, which is neutral and polar, at codon 517 of the SLC45A2 protein (p.Ile517Thr). This variant is present in population databases (no rsID available, gnomAD 0.01%). This variant has not been reported in the literature in individuals affected with SLC45A2-related conditions. Algorithms developed to predict the effect of missense changes on protein structure and function are either unavailable or do not agree on the potential impact of this missense change (SIFT: "Deleterious"; PolyPhen-2: "Benign"; Align-GVGD: "Class C0"). In summary, the available evidence is currently insufficient to determine the role of this variant in disease. Therefore, it has been classified as a Variant of Uncertain Significance.

NM_016180.5(SLC45A2):c.1550T>C (p.Ile517Thr)

Gene: SLC45A2 (solute carrier family 45 member 2; minus strand). Cytogenetic location: 5p13.2.
Variant type: single nucleotide variant.
Coding change: c.1550T>C on transcript NM_016180.5 (MANE Select); coding-DNA position 1550, T replaced by C.
Protein change: p.Ile517Thr; replaces isoleucine 517 with threonine.
Molecular consequence: missense variant.
Genome position (GRCh38, 1-based): chr5:33,944,691, A>G on the plus strand (T>C on the coding strand, the complement: SLC45A2 is on the minus strand). VCF-style: chr5-33944691-A-G. GRCh37 (hg19) VCF-style: chr5-33944796-A-G.
Other names: c.1550T>C (NM_016180.3); short protein forms I517T.
Identifiers: ClinVar variation 2180906 (VCV002180906.2), dbSNP rs867742805, ClinGen allele CA116871735.